The following is an entry in ClinVar:

NM_015570.4(AUTS2):c.2538C>T (p.Ser846=)

Gene: AUTS2 (activator of transcription and developmental regulator AUTS2; plus strand). Cytogenetic location: 7q11.22.
Variant type: single nucleotide variant.
Coding change: c.2538C>T on transcript NM_015570.4 (MANE Select); coding-DNA position 2538, C replaced by T.
Protein change: p.Ser846=; no amino-acid change (serine 846 retained).
Molecular consequence: synonymous variant.
Genome position (GRCh38, 1-based): chr7:70,789,754, C>T. VCF-style: chr7-70789754-C-T. GRCh37 (hg19) VCF-style: chr7-70254740-C-T.
Other names: c.2466C>T, p.Ser822= (NM_001127231.3).
Identifiers: ClinVar variation 773739 (VCV000773739.34), dbSNP rs145994529, ClinGen allele CA4281116.
Genomic context (GRCh38, chr7:70,789,754, plus strand): 5'-CCGACTCGCCCCTTTCATTTCATCTGCGTCCTTGTCTTCCCCTCTCTCCCCCAGGGAAAG[C>T]GTCGAGAAGAGACACTCCAGCCACCCTTCACCAGCACCTGTCCTCCCGGTGAATGCCCTG-3'
Protein context (NP_056385.1, residues 836-856): SVSKDDKERE[Ser846=]VEKRHSSHPS

ClinVar aggregate classification (germline): Benign/Likely benign. Review status: criteria provided, multiple submitters, no conflicts (2 of 4 stars). 4 submissions from 4 submitters: Benign (2); Likely benign (2). Last evaluated 2025-10-10.

Allele frequency attached by ClinVar (database versions not stated): TOPMed 0.00004; gnomAD 0.00006 and 0.00007; gnomAD exomes 0.00012; ExAC 0.00013; ESP Exome Variant Server 0.00015; 1000 Genomes Project 30x 0.00016; 1000 Genomes Project 0.00020.
gnomAD v4.1: 96 of 1,609,350 alleles (0.006%); highest among the groups gnomAD compares: East Asian, 0.085%; no homozygotes.

Submissions (4):

Labcorp Genetics (formerly Invitae), Labcorp
Classification: Benign. Last evaluated: 2025-10-10. Review status: criteria provided, single submitter. Criteria: Invitae Variant Classification Sherloc (09022015). Collection method: clinical testing. Allele origin: germline.

Blueprint Genetics
Classification: Likely benign. Last evaluated: 2024-10-28. Review status: criteria provided, single submitter. Criteria: ACMG Guidelines, 2015. Collection method: clinical testing. Allele origin: germline.

CeGaT Center for Human Genetics Tuebingen
Classification: Likely benign. Last evaluated: 2023-01-01. Review status: criteria provided, single submitter. Criteria: CeGaT Center For Human Genetics Tuebingen Variant Classification Criteria Version 2. Collection method: clinical testing. Allele origin: germline. Affected: yes. Observed: 1 variant allele.
Comment: AUTS2: BP4, BP7, BS1

GeneDx
Classification: Benign. Last evaluated: 2020-08-24. Review status: criteria provided, single submitter. Criteria: GeneDx Variant Classification Process June 2021. Collection method: clinical testing. Allele origin: germline. Affected: yes.